The following is an entry in ClinVar:

NM_004304.5(ALK):c.3375C>T (p.Gly1125=)

Gene: ALK (ALK receptor tyrosine kinase; minus strand). Cytogenetic location: 2p23.2.
Variant type: single nucleotide variant.
Coding change: c.3375C>T on transcript NM_004304.5 (MANE Select); coding-DNA position 3375, C replaced by T.
Protein change: p.Gly1125=; no amino-acid change (glycine 1125 retained).
Molecular consequence: synonymous variant.
Genome position (GRCh38, 1-based): chr2:29,222,592, G>A on the plus strand (C>T on the coding strand, the complement: ALK is on the minus strand). VCF-style: chr2-29222592-G-A. GRCh37 (hg19) VCF-style: chr2-29445458-G-A.
Other names: c.171C>T, p.Gly57= (NM_001353765.2).
Identifiers: ClinVar variation 392892 (VCV000392892.13), dbSNP rs3795850, ClinGen allele CA16604181.
Genomic context (GRCh38, chr2:29,222,592, plus strand): 5'-CAGGGGGCTTGGGTCGTTGGGCATTCCGGACACCTGGCCTTCATACACCTCCCCAAAGGC[G>A]CCATGGCCCAGACCCCTGTGCAAAGGAGAAGACAAGAGGAGACAGAGTCAAACAGGCCAC-3'
Protein context (NP_004295.2, residues 1115-1135): NITLIRGLGH[Gly1125=]AFGEVYEGQV

ClinVar aggregate classification (germline): Likely benign. Review status: criteria provided, multiple submitters, no conflicts (2 of 4 stars). 3 submissions from 3 submitters: Likely benign (3). Last evaluated 2024-11-05.

Conditions:
Hereditary cancer-predisposing syndrome. Also called: Tumor predisposition; Neoplastic Syndromes, Hereditary; Hereditary Cancer Syndrome; Hereditary neoplastic syndrome. Identifiers: Orphanet 140162, MedGen C0027672, MeSH D009386, MONDO:0015356.
Neuroblastoma, susceptibility to, 3. Also called: ALK-Related Neuroblastic Tumor Susceptibility. Identifiers: Orphanet 635, MedGen C2751681, MONDO:0013083, OMIM 613014.

gnomAD v4.1: 7 of 1,613,348 alleles (0.00043%); highest among the groups gnomAD compares: Non-Finnish European, 0.00051%; no homozygotes.

Submissions (3):

Labcorp Genetics (formerly Invitae), Labcorp
Classification: Likely benign for Neuroblastoma, susceptibility to, 3. Last evaluated: 2024-11-05. Review status: criteria provided, single submitter. Criteria: Invitae Variant Classification Sherloc (09022015). Collection method: clinical testing. Allele origin: germline.

Ambry Genetics
Classification: Likely benign for Hereditary cancer-predisposing syndrome. Last evaluated: 2022-10-17. Review status: criteria provided, single submitter. Criteria: Ambry Variant Classification Scheme 2023. Collection method: clinical testing. Allele origin: germline.

GeneDx
Classification: Likely benign. Last evaluated: 2017-01-10. Review status: criteria provided, single submitter. Criteria: GeneDx Variant Classification (06012015). Collection method: clinical testing. Allele origin: germline. Affected: yes.
Comment: This variant is considered likely benign or benign based on one or more of the following criteria: it is a conservative change, it occurs at a poorly conserved position in the protein, it is predicted to be benign by multiple in silico algorithms, and/or has population frequency not consistent with disease.